The following is an entry in ClinVar:

NM_014762.4(DHCR24):c.689G>T (p.Arg230Leu)

Gene: DHCR24 (24-dehydrocholesterol reductase; minus strand). Cytogenetic location: 1p32.3.
Variant type: single nucleotide variant.
Coding change: c.689G>T on transcript NM_014762.4 (MANE Select); coding-DNA position 689, G replaced by T.
Protein change: p.Arg230Leu; replaces arginine 230 with leucine.
Molecular consequence: missense variant.
Genome position (GRCh38, 1-based): chr1:54,871,537, C>A on the plus strand (G>T on the coding strand, the complement: DHCR24 is on the minus strand). VCF-style: chr1-54871537-C-A. GRCh37 (hg19) VCF-style: chr1-55337210-C-A.
Other names: short protein forms R230L.
Identifiers: ClinVar variation 2015590 (VCV002015590.4), dbSNP rs139813073, ClinGen allele CA870750.
Genomic context (GRCh38, chr1:54,871,537, plus strand): 5'-GCCTCCAGGCCCCGCACTGGCTCGAAACGCAGCTTGACGTACTTCTTGGCAGGGATGATG[C>A]GGATCTCAGCGGCCACCAGGAAACCCAGCGTCCCACAGGACCAGGGTACGGCATAGAACA-3'
Protein context (NP_055577.1, residues 220-240): TLGFLVAAEI[Arg230Leu]IIPAKKYVKL

ClinVar aggregate classification (germline): Uncertain significance (1 of 4 stars; one submission).

Submission:

Labcorp Genetics (formerly Invitae), Labcorp
Classification: Uncertain significance. Last evaluated: 2024-08-13. Review status: criteria provided, single submitter. Criteria: Invitae Variant Classification Sherloc (09022015). Collection method: clinical testing. Allele origin: germline.
Comment: This sequence change replaces arginine, which is basic and polar, with leucine, which is neutral and non-polar, at codon 230 of the DHCR24 protein (p.Arg230Leu). This variant is present in population databases (rs139813073, gnomAD 0.0009%). This variant has not been reported in the literature in individuals affected with DHCR24-related conditions. ClinVar contains an entry for this variant (Variation ID: 2015590). Advanced modeling of protein sequence and biophysical properties (such as structural, functional, and spatial information, amino acid conservation, physicochemical variation, residue mobility, and thermodynamic stability) performed at Invitae indicates that this missense variant is not expected to disrupt DHCR24 protein function with a negative predictive value of 80%. In summary, the available evidence is currently insufficient to determine the role of this variant in disease. Therefore, it has been classified as a Variant of Uncertain Significance.